The following is an entry in ClinVar:

NM_201550.4(LRRC10):c.553G>A (p.Val185Met)

Gene: LRRC10 (leucine rich repeat containing 10; minus strand). Cytogenetic location: 12q15.
Variant type: single nucleotide variant.
Coding change: c.553G>A on transcript NM_201550.4 (MANE Select); coding-DNA position 553, G replaced by A.
Protein change: p.Val185Met; replaces valine 185 with methionine.
Molecular consequence: missense variant.
Genome position (GRCh38, 1-based): chr12:69,610,286, C>T on the plus strand (G>A on the coding strand, the complement: LRRC10 is on the minus strand). VCF-style: chr12-69610286-C-T. GRCh37 (hg19) VCF-style: chr12-70004066-C-T.
Other names: short protein forms V185M.
Identifiers: ClinVar variation 2886744 (VCV002886744.3), dbSNP rs2499032538, ClinGen allele CA385736143.

ClinVar aggregate classification (germline): Uncertain significance (1 of 4 stars; one submission).

Submission:

Labcorp Genetics (formerly Invitae), Labcorp
Classification: Uncertain significance. Last evaluated: 2022-11-20. Review status: criteria provided, single submitter. Criteria: Invitae Variant Classification Sherloc (09022015). Collection method: clinical testing. Allele origin: germline.
Comment: This variant is not present in population databases (gnomAD no frequency). This sequence change replaces valine, which is neutral and non-polar, with methionine, which is neutral and non-polar, at codon 185 of the LRRC10 protein (p.Val185Met). This variant has not been reported in the literature in individuals affected with LRRC10-related conditions. In summary, the available evidence is currently insufficient to determine the role of this variant in disease. Therefore, it has been classified as a Variant of Uncertain Significance. Algorithms developed to predict the effect of missense changes on protein structure and function are either unavailable or do not agree on the potential impact of this missense change (SIFT: "Deleterious"; PolyPhen-2: "Probably Damaging"; Align-GVGD: "Class C0").